The following is an entry in ClinVar:

ClinVar aggregate classification (germline): Likely benign. Review status: criteria provided, multiple submitters, no conflicts (2 of 4 stars). 2 submissions from 2 submitters: Likely benign (2). Last evaluated 2018-06-15.

Allele frequency attached by ClinVar (database versions not stated): gnomAD exomes 0.00104; gnomAD 0.00116 and 0.00139; TOPMed 0.00136; 1000 Genomes Project 30x 0.00468; 1000 Genomes Project 0.00519.
gnomAD v4.1: 1,888 of 1,614,010 alleles (0.12%); highest among the groups gnomAD compares: East Asian, 2.4%; 14 homozygotes.

Submissions (2):

GeneDx
Classification: Likely benign. Last evaluated: 2018-06-15. Review status: criteria provided, single submitter. Criteria: GeneDx Variant Classification (06012015). Collection method: clinical testing. Allele origin: germline. Affected: yes.
Comment: This variant is considered likely benign or benign based on one or more of the following criteria: it is a conservative change, it occurs at a poorly conserved position in the protein, it is predicted to be benign by multiple in silico algorithms, and/or has population frequency not consistent with disease.

Breakthrough Genomics
Classification: Likely benign. Review status: criteria provided, single submitter. Criteria: ACMG Guidelines, 2015. Collection method: not provided. Allele origin: germline. Inheritance: Autosomal dominant inheritance. Affected: yes.

NM_002016.2(FLG):c.3154A>G (p.Arg1052Gly)

Genes: CCDST (cervical cancer associated DHX9 suppressive transcript; plus strand), FLG (filaggrin; minus strand). Cytogenetic location: 1q21.3.
Variant type: single nucleotide variant.
Coding change: c.3154A>G on transcript NM_002016.2 (MANE Select); coding-DNA position 3154, A replaced by G.
Protein change: p.Arg1052Gly; replaces arginine 1052 with glycine.
Molecular consequence: missense variant.
Genome position (GRCh38, 1-based): chr1:152,311,732, T>C on the plus strand (A>G on the coding strand, the complement: FLG is on the minus strand). VCF-style: chr1-152311732-T-C. GRCh37 (hg19) VCF-style: chr1-152284208-T-C.
Other names: short protein forms R1052G.
Identifiers: ClinVar variation 678544 (VCV000678544.2), dbSNP rs138106153, ClinGen allele CA1106806.